The following continues an entry in ClinVar:

NM_001165963.4(SCN1A):c.3521C>G (p.Thr1174Ser)

ClinVar aggregate classification (germline): Conflicting classifications of pathogenicity. Uncertain significance (3); Benign (7); Likely benign (6).

Submissions 16 to 30 of 30:

Centre for Mendelian Genomics, University Medical Centre Ljubljana
Classification: Uncertain significance for Generalized non-motor (absence) seizure; Bilateral tonic-clonic seizure; Seizure. Last evaluated: 2014-11-13. Review status: criteria provided, single submitter. Criteria: ACMG Guidelines, 2015. Collection method: clinical testing. Allele origin: unknown. Affected: yes.

PreventionGenetics, part of Exact Sciences
Classification: Likely benign for SCN1A-related condition. Last evaluated: 2021-04-29. Review status: no assertion criteria provided. Collection method: clinical testing. Allele origin: germline. Not counted in ClinVar's aggregate classification.
Comment: This variant is classified as likely benign based on ACMG/AMP sequence variant interpretation guidelines (Richards et al. 2015 PMID: 25741868, with internal and published modifications).

Bioinformatics Core, Luxembourg Center for Systems Biomedicine
Classification: Pathogenic for Self-limited epilepsy with centrotemporal spikes. Last evaluated: 2017-01-01. Review status: no assertion criteria provided. Collection method: case-control. Allele origin: germline. Affected: yes. Study: EUROEPINOMICS COGIE. Not counted in ClinVar's aggregate classification.

Channelopathy-Associated Epilepsy Research Center
No classification provided (evidence only). Condition: Severe myoclonic epilepsy in infancy. Review status: no classification provided. Collection method: literature only. Allele origin: not applicable. Functional consequence: Normal peak current, Severe depolarizing shift of voltage dependence of activation, Increase in slope of activation, Normal voltage dependence of fast inactivation, Normal slope of fast inactivation, Severe increase in persistent current, Mild-moderate slowing of recovery from fast inactivation, Increase of decay in current amplitude in use dependence, Overall mixed or unclear functional effect with respect to biophysical channel activity. Not counted in ClinVar's aggregate classification.
ClinVar note: "not provided" was previously submitted as the classification for the variant. However, the classification appeared to be based only on an observation of functional data so it was converted to no classification on 2025-07-30.

Channelopathy-Associated Epilepsy Research Center
No classification provided (evidence only). Review status: no classification provided. Collection method: in vitro. Allele origin: not applicable. Functional consequence: Decrease in persistent current. Not counted in ClinVar's aggregate classification.

Channelopathy-Associated Epilepsy Research Center
No classification provided (evidence only). Review status: no classification provided. Collection method: in vitro. Allele origin: not applicable. Functional consequence: Normal peak current. Not counted in ClinVar's aggregate classification.

Channelopathy-Associated Epilepsy Research Center
No classification provided (evidence only). Review status: no classification provided. Collection method: in vitro. Allele origin: not applicable. Functional consequence: Normal voltage dependence of activation. Not counted in ClinVar's aggregate classification.

Channelopathy-Associated Epilepsy Research Center
No classification provided (evidence only). Review status: no classification provided. Collection method: in vitro. Allele origin: not applicable. Functional consequence: Normal slope of activation. Not counted in ClinVar's aggregate classification.

Channelopathy-Associated Epilepsy Research Center
No classification provided (evidence only). Review status: no classification provided. Collection method: in vitro. Allele origin: not applicable. Functional consequence: Normal voltage dependence of fast inactivation. Not counted in ClinVar's aggregate classification.

Channelopathy-Associated Epilepsy Research Center
No classification provided (evidence only). Review status: no classification provided. Collection method: in vitro. Allele origin: not applicable. Functional consequence: Normal slope of fast inactivation. Not counted in ClinVar's aggregate classification.

Channelopathy-Associated Epilepsy Research Center
No classification provided (evidence only). Review status: no classification provided. Collection method: in vitro. Allele origin: not applicable. Functional consequence: Normal rate of recovery from fast inactivation. Not counted in ClinVar's aggregate classification.

Channelopathy-Associated Epilepsy Research Center
No classification provided (evidence only). Review status: no classification provided. Collection method: in vitro. Allele origin: not applicable. Functional consequence: Normal current amplitude in use dependence. Not counted in ClinVar's aggregate classification.

Channelopathy-Associated Epilepsy Research Center
No classification provided (evidence only). Review status: no classification provided. Collection method: in vitro. Allele origin: not applicable. Functional consequence: Normal fast inactivation. Not counted in ClinVar's aggregate classification.

Channelopathy-Associated Epilepsy Research Center
No classification provided (evidence only). Review status: no classification provided. Collection method: in vitro. Allele origin: not applicable. Functional consequence: Normal ramp current. Not counted in ClinVar's aggregate classification.

UniProtKB/Swiss-Prot
No classification provided. Condition: Familial hemiplegic migraine type 3. Review status: no classification provided. Collection method: not provided. Allele origin: not provided. Not counted in ClinVar's aggregate classification.

Literature cited by the submitters: PubMed 11254445 (cited by 3 submitters); PubMed 18021921 (cited by 5 submitters); PubMed 21396429 (cited by 4 submitters); PubMed 22550089 (cited by 5 submitters); PubMed 22780858 (cited by 3 submitters); PubMed 23398611 (cited by 5 submitters); PubMed 26990884 (cited by 3 submitters); PubMed 31765958 (cited by Mayo Clinic Laboratories, Mayo Clinic and Women's Health and Genetics/Laboratory Corporation of America, LabCorp); PubMed 31782251 (cited by Mayo Clinic Laboratories, Mayo Clinic); PubMed 24679980 (cited by Women's Health and Genetics/Laboratory Corporation of America, LabCorp); PubMed 29358611 (cited by Bioinformatics Core, Luxembourg Center for Systems Biomedicine).